The following is an entry in ClinVar:

ClinVar aggregate classification (germline): Uncertain significance (1 of 4 stars; one submission).

gnomAD v4.1: 1 of 1,613,302 alleles (0.000062%); no homozygotes.

Submission:

Labcorp Genetics (formerly Invitae), Labcorp
Classification: Uncertain significance. Last evaluated: 2025-04-04. Review status: criteria provided, single submitter. Criteria: Invitae Variant Classification Sherloc (09022015). Collection method: clinical testing. Allele origin: germline.
Comment: This sequence change replaces glutamic acid, which is acidic and polar, with lysine, which is basic and polar, at codon 735 of the GFM2 protein (p.Glu735Lys). This variant is not present in population databases (gnomAD no frequency). This variant has not been reported in the literature in individuals affected with GFM2-related conditions. Invitae Evidence Modeling of protein sequence and biophysical properties (such as structural, functional, and spatial information, amino acid conservation, physicochemical variation, residue mobility, and thermodynamic stability) indicates that this missense variant is not expected to disrupt GFM2 protein function with a negative predictive value of 80%. In summary, the available evidence is currently insufficient to determine the role of this variant in disease. Therefore, it has been classified as a Variant of Uncertain Significance.

NM_032380.5(GFM2):c.2203G>A (p.Glu735Lys)

Gene: GFM2 (GTP dependent ribosome recycling factor mitochondrial 2; minus strand). Cytogenetic location: 5q13.3.
Variant type: single nucleotide variant.
Coding change: c.2203G>A on transcript NM_032380.5 (MANE Select); coding-DNA position 2203, G replaced by A.
Protein change: p.Glu735Lys; replaces glutamic acid 735 with lysine.
Molecular consequence: missense variant. On other transcripts: non-coding transcript variant (1).
Genome position (GRCh38, 1-based): chr5:74,722,387, C>T on the plus strand (G>A on the coding strand, the complement: GFM2 is on the minus strand). VCF-style: chr5-74722387-C-T. GRCh37 (hg19) VCF-style: chr5-74018212-C-T.
Other names: c.2062G>A, p.Glu688Lys (NM_170691.3); c.2299G>A, p.Glu767Lys (NM_001281302.2); short protein forms E688K, E735K, E767K.
Identifiers: ClinVar variation 4778784 (VCV004778784.1).
Genomic context (GRCh38, chr5:74,722,387, plus strand): 5'-AATATCCCCTGAATTAAGAAGAATATGTACTTTTCAGTTACAAAGTACCTACCATAATTT[C>T]TGCTAAGGGAACAAATCCAATAACAACTTTGTTGTCCTGGCGAGTCTGAATTTCCTGAAT-3'
Protein context (NP_115756.2, residues 725-745): KVVIGFVPLA[Glu735Lys]IMGYSTVLRT